The following continues an entry in ClinVar:

NM_000053.4(ATP7B):c.2009_2015del (p.Ile669_Tyr670insTer)

Gene: ATP7B. ClinVar aggregate classification (germline): Pathogenic/Likely pathogenic. Pathogenic (13); Likely pathogenic (1).

Submissions 14 to 17 of 17:

Women's Health and Genetics/Laboratory Corporation of America, LabCorp
Classification: Pathogenic for Wilson disease. Last evaluated: 2017-02-03. Review status: criteria provided, single submitter. Criteria: LabCorp Variant Classification Summary - May 2015. Collection method: clinical testing. Allele origin: germline.
Comment: Variant summary: The ATP7B c.2009_2015delATATGCT (p.Tyr670Terfs) variant results in a premature termination codon, predicted to cause a truncated or absent ATP7B protein due to nonsense mediated decay, which are commonly known mechanisms for disease. Truncations downstream of this position have been classified as pathogenic by our laboratory (e.g. c.3402delC, p.Ala1135fs). One in silico tool predicts a damaging outcome for this variant. This variant was found in 2/120512 control chromosomes at a frequency of 0.0000166, which does not exceed the estimated maximal expected allele frequency of a pathogenic ATP7B variant (0.0054006). The variant has been reported in affected individuals in the literature in both the homozygous and compound heterozygous state. In addition, multiple clinical diagnostic laboratories/reputable databases classified this variant as likely pathogenic/pathogenic. Taken together, this variant is classified as pathogenic.

deCODE genetics, Amgen
Classification: Pathogenic for Wilson disease. Last evaluated: 2023-07-21. Review status: no assertion criteria provided. Collection method: research. Allele origin: germline. Affected: yes. Observed: 7 variant alleles. Not counted in ClinVar's aggregate classification.
Comment: The variant NM_000053.4:c.2009_2015del (chr13:51960253) in ATP7B was detected in 619 heterozygotes and 4 homozygotes out of 58K WGS Icelanders (MAF= 0,541%). Following imputation in a set of 166K Icelanders (1,782 imputed heterozygotes and 7 imputed homozygotes) we observed an association with disorders of copper metabolism (ICD10 code: E830) under a recessive model using 26 cases and 302580 controls (OR= 244.2, P= 1.9e-18). This variant has been reported in ClinVar previously as pathogenic. Based on ACMG criteria (PVS1, PS4, PP5) this variant classifies as pathogenic.

Counsyl
Classification: Pathogenic for Wilson disease. Last evaluated: 2018-02-23. Review status: no assertion criteria provided. Collection method: clinical testing. Allele origin: unknown. Not counted in ClinVar's aggregate classification.

OMIM
Classification: Pathogenic for WILSON DISEASE. Last evaluated: 1995-05-01. Review status: no assertion criteria provided. Collection method: literature only. Allele origin: germline. Not counted in ClinVar's aggregate classification.

Literature cited by the submitters: PubMed 10441329 (cited by Labcorp Genetics (formerly Invitae), Labcorp and Variantyx, Inc.); PubMed 16283883 (cited by Labcorp Genetics (formerly Invitae), Labcorp); PubMed 7726170 (cited by 9 submitters); PubMed 1628388 (cited by Variantyx, Inc.); PubMed 37937776 (cited by Variantyx, Inc.); PubMed 8298639 (cited by 7 submitters); PubMed 10502777 (cited by 5 submitters); PubMed 30357869 (cited by Mayo Clinic Laboratories, Mayo Clinic); PubMed 32796424 (cited by Mayo Clinic Laboratories, Mayo Clinic); PubMed 34773664 (cited by Mayo Clinic Laboratories, Mayo Clinic); PubMed 7833924 (cited by OMIM).